The following is an entry in ClinVar:

NM_016247.4(IMPG2):c.1250T>C (p.Phe417Ser)

Gene: IMPG2 (interphotoreceptor matrix proteoglycan 2; minus strand). Cytogenetic location: 3q12.3.
Variant type: single nucleotide variant.
Coding change: c.1250T>C on transcript NM_016247.4 (MANE Select); coding-DNA position 1250, T replaced by C.
Protein change: p.Phe417Ser; replaces phenylalanine 417 with serine.
Molecular consequence: missense variant.
Genome position (GRCh38, 1-based): chr3:101,246,095, A>G on the plus strand (T>C on the coding strand, the complement: IMPG2 is on the minus strand). VCF-style: chr3-101246095-A-G. GRCh37 (hg19) VCF-style: chr3-100964939-A-G.
Other names: short protein forms F417S.
Identifiers: ClinVar variation 1517867 (VCV001517867.5), dbSNP rs1226245270, ClinGen allele CA353863055.
Genomic context (GRCh38, chr3:101,246,095, plus strand): 5'-AAATCAAGTGGTGGAATACTGCTGGTGATGGATTCATCTGCTGAGGGCCATGCAGCTTGA[A>G]AGGTATTATCCTGGGGGGAAAAAAAGGCTAAATCATATCATAGATAAAAGAAACATATAA-3'
Protein context (NP_057331.2, residues 407-427): ATPSSILDNT[Phe417Ser]QAAWPSADES

ClinVar aggregate classification (germline): Uncertain significance (1 of 4 stars; one submission).

Allele frequency attached by ClinVar (database versions not stated): gnomAD exomes below 0.00001 and 0.00001; gnomAD 0.00001.
gnomAD v4.1: 13 of 1,613,906 alleles (0.00081%); highest among the groups gnomAD compares: South Asian, 0.014%; no homozygotes.

Submission:

Labcorp Genetics (formerly Invitae), Labcorp
Classification: Uncertain significance. Last evaluated: 2022-02-03. Review status: criteria provided, single submitter. Criteria: Invitae Variant Classification Sherloc (09022015). Collection method: clinical testing. Allele origin: germline.
Comment: This sequence change replaces phenylalanine, which is neutral and non-polar, with serine, which is neutral and polar, at codon 417 of the IMPG2 protein (p.Phe417Ser). This variant is present in population databases (no rsID available, gnomAD 0.003%). This variant has not been reported in the literature in individuals affected with IMPG2-related conditions. Algorithms developed to predict the effect of missense changes on protein structure and function are either unavailable or do not agree on the potential impact of this missense change (SIFT: "Deleterious"; PolyPhen-2: "Benign"; Align-GVGD: "Class C0"). In summary, the available evidence is currently insufficient to determine the role of this variant in disease. Therefore, it has been classified as a Variant of Uncertain Significance.